The following is an entry in ClinVar:

ClinVar aggregate classification (germline): Uncertain significance (1 of 4 stars; one submission).

Conditions:
Inborn genetic diseases. Identifiers: MedGen C0950123, MeSH D030342.

Submission:

Ambry Genetics
Classification: Uncertain significance for Inborn genetic diseases. Last evaluated: 2022-11-23. Review status: criteria provided, single submitter. Criteria: Ambry Variant Classification Scheme 2023. Collection method: clinical testing. Allele origin: germline.
Comment: The p.K2334R variant (also known as c.7001A>G), located in coding exon 41 of the ATR gene, results from an A to G substitution at nucleotide position 7001. The lysine at codon 2334 is replaced by arginine, an amino acid with highly similar properties. This amino acid position is conserved. In addition, the in silico prediction for this alteration is inconclusive. Since supporting evidence is limited at this time, the clinical significance of this alteration remains unclear.

NM_001184.4(ATR):c.7001A>G (p.Lys2334Arg)

Gene: ATR (ATR checkpoint kinase; minus strand). Cytogenetic location: 3q23.
Variant type: single nucleotide variant.
Coding change: c.7001A>G on transcript NM_001184.4 (MANE Select); coding-DNA position 7001, A replaced by G.
Protein change: p.Lys2334Arg; replaces lysine 2334 with arginine.
Molecular consequence: missense variant.
Genome position (GRCh38, 1-based): chr3:142,465,137, T>C on the plus strand (A>G on the coding strand, the complement: ATR is on the minus strand). VCF-style: chr3-142465137-T-C. GRCh37 (hg19) VCF-style: chr3-142183979-T-C.
Other names: c.6809A>G, p.Lys2270Arg (NM_001354579.2); short protein forms K2270R, K2334R.
Identifiers: ClinVar variation 2453529 (VCV002453529.2), dbSNP rs2108271003, ClinGen allele CA354800552.